The following is an entry in ClinVar:

ClinVar aggregate classification (germline): Uncertain significance (1 of 4 stars; one submission).

Submission:

Labcorp Genetics (formerly Invitae), Labcorp
Classification: Uncertain significance. Last evaluated: 2023-03-08. Review status: criteria provided, single submitter. Criteria: Invitae Variant Classification Sherloc (09022015). Collection method: clinical testing. Allele origin: germline.
Comment: In summary, the available evidence is currently insufficient to determine the role of this variant in disease. Therefore, it has been classified as a Variant of Uncertain Significance. Advanced modeling of protein sequence and biophysical properties (such as structural, functional, and spatial information, amino acid conservation, physicochemical variation, residue mobility, and thermodynamic stability) performed at Invitae indicates that this missense variant is not expected to disrupt MTOR protein function. ClinVar contains an entry for this variant (Variation ID: 1018167). This variant has not been reported in the literature in individuals affected with MTOR-related conditions. This variant is not present in population databases (gnomAD no frequency). This sequence change replaces serine, which is neutral and polar, with arginine, which is basic and polar, at codon 591 of the MTOR protein (p.Ser591Arg).

NM_004958.4(MTOR):c.1773C>G (p.Ser591Arg)

Gene: MTOR (mechanistic target of rapamycin kinase; minus strand). Cytogenetic location: 1p36.22.
Variant type: single nucleotide variant.
Coding change: c.1773C>G on transcript NM_004958.4 (MANE Select); coding-DNA position 1773, C replaced by G.
Protein change: p.Ser591Arg; replaces serine 591 with arginine.
Molecular consequence: missense variant.
Genome position (GRCh38, 1-based): chr1:11,240,316, G>C on the plus strand (C>G on the coding strand, the complement: MTOR is on the minus strand). VCF-style: chr1-11240316-G-C. GRCh37 (hg19) VCF-style: chr1-11300373-G-C.
Other names: short protein forms S591R.
Identifiers: ClinVar variation 1018167 (VCV001018167.7), dbSNP rs1647841428, ClinGen allele CA338391761.